The following is an entry in ClinVar:

ClinVar aggregate classification (germline): Uncertain significance (1 of 4 stars; one submission).

Submission:

Labcorp Genetics (formerly Invitae), Labcorp
Classification: Uncertain significance. Last evaluated: 2025-08-05. Review status: criteria provided, single submitter. Criteria: Invitae Variant Classification Sherloc (09022015). Collection method: clinical testing. Allele origin: germline.
Comment: This sequence change replaces aspartic acid, which is acidic and polar, with glutamic acid, which is acidic and polar, at codon 2167 of the CACNA1D protein (p.Asp2167Glu). This variant is not present in population databases (gnomAD no frequency). This variant has not been reported in the literature in individuals affected with CACNA1D-related conditions. ClinVar contains an entry for this variant (Variation ID: 2107433). An algorithm developed to predict the effect of missense changes on protein structure and function outputs the following: PolyPhen-2: "Benign". The glutamic acid amino acid residue is found in multiple mammalian species, which suggests that this missense change does not adversely affect protein function. In summary, the available evidence is currently insufficient to determine the role of this variant in disease. Therefore, it has been classified as a Variant of Uncertain Significance.

NM_001128840.3(CACNA1D):c.6441T>A (p.Asp2147Glu)

Gene: CACNA1D (calcium voltage-gated channel subunit alpha1 D; plus strand). Cytogenetic location: 3p21.1.
Variant type: single nucleotide variant.
Coding change: c.6441T>A on transcript NM_001128840.3 (MANE Select); coding-DNA position 6441, T replaced by A.
Protein change: p.Asp2147Glu; replaces aspartic acid 2147 with glutamic acid.
Molecular consequence: missense variant.
Genome position (GRCh38, 1-based): chr3:53,811,361, T>A. VCF-style: chr3-53811361-T-A. GRCh37 (hg19) VCF-style: chr3-53845388-T-A.
Other names: c.6501T>A, p.Asp2167Glu (NM_000720.4); c.6369T>A, p.Asp2123Glu (NM_001128839.3); short protein forms D2147E, D2123E, D2167E.
Identifiers: ClinVar variation 2107433 (VCV002107433.4), dbSNP rs2474580837, ClinGen allele CA353259703.